The following is an entry in ClinVar:

ClinVar aggregate classification (germline): Benign. Review status: criteria provided, multiple submitters, no conflicts (2 of 4 stars). 8 submissions from 8 submitters: Benign (5). 3 of the submissions do not count toward it. Last evaluated 2026-02-04.

Conditions:
Fucosidosis. Also called: ALPHA-L-FUCOSIDASE DEFICIENCY. Identifiers: Orphanet 349, MedGen C0016788, MONDO:0009254, OMIM 230000.

Allele frequency attached by ClinVar (database versions not stated): ESP Exome Variant Server 0.08237; gnomAD 0.10031; TOPMed 0.11221; ExAC 0.14199; 1000 Genomes Project 30x 0.14257; 1000 Genomes Project 0.14297.
gnomAD v4.1: 156,867 of 1,546,758 alleles (10%); highest among the groups gnomAD compares: East Asian, 18%; 8,523 homozygotes.

Submissions (20):

Labcorp Genetics (formerly Invitae), Labcorp
Classification: Benign for Fucosidosis. Last evaluated: 2026-02-04. Review status: criteria provided, single submitter. Criteria: Invitae Variant Classification Sherloc (09022015). Collection method: clinical testing. Allele origin: germline.

GeneDx
Classification: Benign. Last evaluated: 2018-06-13. Review status: criteria provided, single submitter. Criteria: GeneDx Variant Classification (06012015). Collection method: clinical testing. Allele origin: germline. Affected: yes.
Comment: This variant is considered likely benign or benign based on one or more of the following criteria: it is a conservative change, it occurs at a poorly conserved position in the protein, it is predicted to be benign by multiple in silico algorithms, and/or has population frequency not consistent with disease.

Illumina Laboratory Services, Illumina
Classification: Benign for Fucosidosis. Last evaluated: 2018-01-13. Review status: criteria provided, single submitter. Criteria: ICSL Variant Classification Criteria 13 December 2019. Collection method: clinical testing. Allele origin: germline.
Comment: This variant was observed in the ICSL laboratory as part of a predisposition screen in an ostensibly healthy population. It had not been previously curated by ICSL or reported in the Human Gene Mutation Database (HGMD: prior to June 1st, 2018), and was therefore a candidate for classification through an automated scoring system. Utilizing variant allele frequency, disease prevalence and penetrance estimates, and inheritance mode, an automated score was calculated to assess if this variant is too frequent to cause the disease. Based on the score and internal cut-off values, a variant classified as benign is not then subjected to further curation. The score for this variant resulted in a classification of benign for this disease.

Eurofins Ntd Llc (ga)
Classification: Benign. Last evaluated: 2014-06-26. Review status: criteria provided, single submitter. Criteria: EGL Classification Definitions 2015. Collection method: clinical testing. Allele origin: germline. Observed: 1 variant allele, 1 heterozygote.

Breakthrough Genomics
Classification: Benign. Review status: criteria provided, single submitter. Criteria: ACMG Guidelines, 2015. Collection method: not provided. Allele origin: germline. Inheritance: Autosomal recessive inheritance. Affected: yes.

Mayo Clinic Laboratories, Mayo Clinic
Classification: Benign. Last evaluated: 2015-12-16. Review status: no assertion criteria provided. Collection method: clinical testing. Allele origin: unknown. Not counted in ClinVar's aggregate classification.

Diagnostic Laboratory, Department of Genetics, University Medical Center Groningen
Classification: Benign. Review status: no assertion criteria provided. Collection method: clinical testing. Allele origin: germline. Affected: yes. Study: VKGL Data-share Consensus. Not counted in ClinVar's aggregate classification.

Dr. Peter K. Rogan Lab, Western University
No classification provided (evidence only). Condition: Cervical cancer. Review status: no classification provided. Collection method: in vitro. Allele origin: not applicable. Functional consequence: retained intron. Not counted in ClinVar's aggregate classification.

Dr. Peter K. Rogan Lab, Western University
No classification provided (evidence only). Condition: Sarcoma. Review status: no classification provided. Collection method: in vitro. Allele origin: not applicable. Functional consequence: retained intron. Not counted in ClinVar's aggregate classification.

Dr. Peter K. Rogan Lab, Western University
No classification provided (evidence only). Condition: Sarcoma. Review status: no classification provided. Collection method: in vitro. Allele origin: not applicable. Functional consequence: retained intron. Not counted in ClinVar's aggregate classification.

Dr. Peter K. Rogan Lab, Western University
No classification provided (evidence only). Condition: Malignant lymphoma, large B-cell, diffuse. Review status: no classification provided. Collection method: in vitro. Allele origin: not applicable. Functional consequence: retained intron. Not counted in ClinVar's aggregate classification.

Dr. Peter K. Rogan Lab, Western University
No classification provided (evidence only). Condition: Malignant lymphoma, large B-cell, diffuse. Review status: no classification provided. Collection method: in vitro. Allele origin: not applicable. Functional consequence: retained intron. Not counted in ClinVar's aggregate classification.

Dr. Peter K. Rogan Lab, Western University
No classification provided (evidence only). Condition: Malignant lymphoma, large B-cell, diffuse. Review status: no classification provided. Collection method: in vitro. Allele origin: not applicable. Functional consequence: retained intron. Not counted in ClinVar's aggregate classification.

Dr. Peter K. Rogan Lab, Western University
No classification provided (evidence only). Condition: Uterine carcinosarcoma. Review status: no classification provided. Collection method: in vitro. Allele origin: not applicable. Functional consequence: retained intron. Not counted in ClinVar's aggregate classification.

Dr. Peter K. Rogan Lab, Western University
No classification provided (evidence only). Condition: Uterine carcinosarcoma. Review status: no classification provided. Collection method: in vitro. Allele origin: not applicable. Functional consequence: retained intron. Not counted in ClinVar's aggregate classification.

Dr. Peter K. Rogan Lab, Western University
No classification provided (evidence only). Condition: Malignant tumor of esophagus. Review status: no classification provided. Collection method: in vitro. Allele origin: not applicable. Functional consequence: retained intron. Not counted in ClinVar's aggregate classification.

Dr. Peter K. Rogan Lab, Western University
No classification provided (evidence only). Condition: Thyroid cancer, nonmedullary, 1. Review status: no classification provided. Collection method: in vitro. Allele origin: not applicable. Functional consequence: retained intron. Not counted in ClinVar's aggregate classification.

Dr. Peter K. Rogan Lab, Western University
No classification provided (evidence only). Condition: Thyroid cancer, nonmedullary, 1. Review status: no classification provided. Collection method: in vitro. Allele origin: not applicable. Functional consequence: retained intron. Not counted in ClinVar's aggregate classification.

Dr. Peter K. Rogan Lab, Western University
No classification provided (evidence only). Condition: Uterine corpus endometrial carcinoma. Review status: no classification provided. Collection method: in vitro. Allele origin: not applicable. Functional consequence: retained intron. Not counted in ClinVar's aggregate classification.

Joint Genome Diagnostic Labs from Nijmegen and Maastricht, Radboudumc and MUMC+
Classification: Benign. Review status: no assertion criteria provided. Collection method: clinical testing. Allele origin: germline. Affected: yes. Study: VKGL Data-share Consensus. Not counted in ClinVar's aggregate classification.

NM_000147.5(FUCA1):c.4C>T (p.Arg2Trp)

Gene: FUCA1 (alpha-L-fucosidase 1; minus strand). Cytogenetic location: 1p36.11.
Variant type: single nucleotide variant.
Coding change: c.4C>T on transcript NM_000147.5 (MANE Select); coding-DNA position 4, C replaced by T.
Protein change: p.Arg2Trp; replaces arginine 2 with tryptophan.
Molecular consequence: missense variant.
Genome position (GRCh38, 1-based): chr1:23,868,283, G>A on the plus strand (C>T on the coding strand, the complement: FUCA1 is on the minus strand). VCF-style: chr1-23868283-G-A. GRCh37 (hg19) VCF-style: chr1-24194773-G-A.
Other names: short protein forms R2W.
Identifiers: ClinVar variation 193052 (VCV000193052.25), dbSNP rs2070955, ClinGen allele CA200284.